The following is an entry in ClinVar:

NM_000168.6(GLI3):c.2255C>G (p.Ser752Ter)

Gene: GLI3 (GLI family zinc finger 3; minus strand). Cytogenetic location: 7p14.1.
Variant type: single nucleotide variant.
Coding change: c.2255C>G on transcript NM_000168.6 (MANE Select); coding-DNA position 2255, C replaced by G.
Protein change: p.Ser752Ter; replaces serine 752 with a stop codon.
Molecular consequence: nonsense.
Genome position (GRCh38, 1-based): chr7:41,967,772, G>C on the plus strand (C>G on the coding strand, the complement: GLI3 is on the minus strand). VCF-style: chr7-41967772-G-C. GRCh37 (hg19) VCF-style: chr7-42007370-G-C.
Other names: short protein forms S752*.
Identifiers: ClinVar variation 4983861 (VCV004983861.1).

ClinVar aggregate classification (germline): Likely pathogenic (1 of 4 stars; one submission).

Conditions:
GLI3-related disorder. Also called: GLI3-related condition; GLI3-related disorders. Identifiers: MedGen CN239292.

Submission:

PreventionGenetics, part of Exact Sciences
Classification: Likely pathogenic for GLI3-related condition. Last evaluated: 2024-10-25. Review status: criteria provided, single submitter. Criteria: ACMG Guidelines, 2015. Collection method: clinical testing. Allele origin: germline.
Comment: The GLI3 c.2255C>G variant is predicted to result in premature protein termination (p.Ser752*). To our knowledge, this variant has not been reported in the literature or in a large population database (gnomAD), indicating this variant is rare. Nonsense variants in GLI3 are expected to be pathogenic. This variant is interpreted as likely pathogenic.